The following is an entry in ClinVar:

ClinVar aggregate classification (germline): Uncertain significance. Review status: criteria provided, multiple submitters, no conflicts (2 of 4 stars). 3 submissions from 3 submitters: Uncertain significance (3). Last evaluated 2024-08-19.

Conditions:
Myopathy with tubular aggregates (TAM). Also called: Tubular Aggregate Myopathy. Identifiers: Orphanet 2593, MedGen C0410207, MONDO:0008051.
Combined immunodeficiency due to STIM1 deficiency. Also called: STIM1 DEFICIENCY; IMMUNODEFICIENCY 10. Identifiers: Orphanet 169090, Orphanet 317430, MedGen C2748557, MONDO:0013008, OMIM 612783.
Stormorken syndrome (STRMK). Also called: THROMBOCYTOPATHY, ASPLENIA, AND MIOSIS. Identifiers: Orphanet 3204, MedGen C1861451, MONDO:0008497, OMIM 185070.
Inborn genetic diseases. Identifiers: MedGen C0950123, MeSH D030342.

Allele frequency attached by ClinVar (database versions not stated): gnomAD exomes below 0.00001; TOPMed below 0.00001; ExAC 0.00002.
gnomAD v4.1: 4 of 1,613,696 alleles (0.00025%); highest among the groups gnomAD compares: South Asian, 0.0011%; no homozygotes.

Submissions (3):

Ambry Genetics
Classification: Uncertain significance for Inborn genetic diseases. Last evaluated: 2024-08-19. Review status: criteria provided, single submitter. Criteria: Ambry Variant Classification Scheme 2023. Collection method: clinical testing. Allele origin: germline.

Labcorp Genetics (formerly Invitae), Labcorp
Classification: Uncertain significance for Myopathy with tubular aggregates; Combined immunodeficiency due to STIM1 deficiency; Stormorken syndrome. Last evaluated: 2024-06-24. Review status: criteria provided, single submitter. Criteria: Invitae Variant Classification Sherloc (09022015). Collection method: clinical testing. Allele origin: germline.
Comment: This sequence change replaces threonine, which is neutral and polar, with alanine, which is neutral and non-polar, at codon 665 of the STIM1 protein (p.Thr665Ala). This variant is present in population databases (rs751078011, gnomAD 0.003%). This variant has not been reported in the literature in individuals affected with STIM1-related conditions. ClinVar contains an entry for this variant (Variation ID: 2577774). Algorithms developed to predict the effect of missense changes on protein structure and function output the following: SIFT: "Not Available"; PolyPhen-2: "Benign"; Align-GVGD: "Not Available". The alanine amino acid residue is found in multiple mammalian species, which suggests that this missense change does not adversely affect protein function. In summary, the available evidence is currently insufficient to determine the role of this variant in disease. Therefore, it has been classified as a Variant of Uncertain Significance.

GeneDx
Classification: Uncertain significance. Last evaluated: 2023-02-23. Review status: criteria provided, single submitter. Criteria: GeneDx Variant Classification Process June 2021. Collection method: clinical testing. Allele origin: germline. Affected: yes.
Comment: In silico analysis supports that this missense variant does not alter protein structure/function; Has not been previously published as pathogenic or benign to our knowledge

NM_001382567.1(STIM1):c.2086A>G (p.Thr696Ala)

Genes: STIM1 (stromal interaction molecule 1; plus strand), LOC124418421 (Sharpr-MPRA regulatory region 9588; plus strand). Cytogenetic location: 11p15.4.
Variant type: single nucleotide variant.
Coding change: c.2086A>G on transcript NM_001382567.1 (MANE Select); coding-DNA position 2086, A replaced by G.
Protein change: p.Thr696Ala; replaces threonine 696 with alanine.
Molecular consequence: missense variant. On other transcripts: 3 prime UTR variant (4), non-coding transcript variant (3).
Genome position (GRCh38, 1-based): chr11:4,091,733, A>G. VCF-style: chr11-4091733-A-G. GRCh37 (hg19) VCF-style: chr11-4112963-A-G.
Other names: c.2311A>G, p.Thr771Ala (NM_001277961.3); c.*407A>G (NM_001277962.2, NM_001382578.1, NM_001382579.1 and 1 more transcripts); c.2089A>G, p.Thr697Ala (NM_001382566.1); c.2014A>G, p.Thr672Ala (NM_001382568.1); c.1858A>G, p.Thr620Ala (NM_001382569.1); c.1765A>G, p.Thr589Ala (NM_001382570.1); c.1513A>G, p.Thr505Ala (NM_001382571.1); c.1771A>G, p.Thr591Ala (NM_001382575.1, NM_001382576.1, NM_001382577.1); and 2 more; short protein forms T502A, T505A, T589A, T591A, T620A, T665A, T672A, T696A.
Identifiers: ClinVar variation 2577774 (VCV002577774.4), dbSNP rs751078011, ClinGen allele CA5830664.